The following is an entry in ClinVar:

NM_138694.4(PKHD1):c.820dup (p.Arg274fs)

Gene: PKHD1 (PKHD1 ciliary IPT domain containing fibrocystin/polyductin; minus strand). Cytogenetic location: 6p12.2.
Variant type: Duplication.
Coding change: c.820dup on transcript NM_138694.4 (MANE Select); coding-DNA position 820, one base duplicated (A; older notation c.820dupA).
Protein change: p.Arg274fs; shifts the reading frame from arginine 274.
Molecular consequence: frameshift variant.
Genome position (GRCh38, 1-based): chr6:52,066,036, T duplicated on the plus strand (A on the coding strand, the reverse complement: PKHD1 is on the minus strand); the first of 2 consecutive T bases (chr6:52,066,036-52,066,037); duplicating either gives the same sequence. VCF-style (leftmost placement, unchanged base first): chr6-52066035-C-CT. GRCh37 (hg19) VCF-style: chr6-51930833-C-CT.
Other names: c.820_821insA (NM_138694.3); c.820dup (NM_138694.3); c.820dup, p.Arg274fs (NM_170724.3); short protein forms R274fs.
Identifiers: ClinVar variation 684635 (VCV000684635.5), dbSNP rs1582064844, ClinGen allele CA915944295.

ClinVar aggregate classification (germline): Pathogenic/Likely pathogenic. Review status: criteria provided, multiple submitters, no conflicts (2 of 4 stars). 3 submissions from 3 submitters: Pathogenic (1); Likely pathogenic (1). 1 of the submissions does not count toward it. Last evaluated 2024-10-21.

Conditions:
Autosomal dominant polycystic liver disease. Also called: Congenital cystic disease of liver; Polycystic liver disease. Identifiers: Orphanet 2924, MedGen C0158683, MONDO:0000447, HP:0006557.
Autosomal recessive polycystic kidney disease (ARPKD). Also called: AR polycystic kidney disease. Identifiers: Orphanet 731, Orphanet 8378, MedGen C0085548, MeSH D017044, MONDO:0009889.

Submissions (3):

Natera, Inc.
Classification: Likely pathogenic for Autosomal recessive polycystic kidney disease. Last evaluated: 2024-10-21. Review status: criteria provided, single submitter. Criteria: Natera Variant Classification Schema (03/2026). Collection method: clinical testing. Allele origin: germline.
Comment: The c.820dup variant in PKHD1 is a frameshift variant predicted to shift the reading frame beginning at codon 274 and leads to a stop codon 12 codons downstream. This variant is expected to result in nonsense mediated decay, truncation, or a dysfunctional protein product. This variant is rare in the general population with a frequency below the threshold expected for the associated phenotype(s). Given the available evidence, this variant is classified as Likely Pathogenic.

Labcorp Genetics (formerly Invitae), Labcorp
Classification: Pathogenic for Autosomal recessive polycystic kidney disease. Last evaluated: 2023-02-01. Review status: criteria provided, single submitter. Criteria: Invitae Variant Classification Sherloc (09022015). Collection method: clinical testing. Allele origin: germline.
Comment: For these reasons, this variant has been classified as Pathogenic. ClinVar contains an entry for this variant (Variation ID: 684635). This sequence change creates a premature translational stop signal (p.Arg274Lysfs*12) in the PKHD1 gene. It is expected to result in an absent or disrupted protein product. Loss-of-function variants in PKHD1 are known to be pathogenic (PMID: 19940839). This variant is not present in population databases (gnomAD no frequency). This premature translational stop signal has been observed in individual(s) with clinical features of polycystic liver disease (PMID: 28375157).

Yale Center for Mendelian Genomics, Yale University
Classification: Likely pathogenic for Autosomal dominant polycystic liver disease. Last evaluated: 2017-04-04. Review status: no assertion criteria provided. Collection method: literature only. Allele origin: germline. Affected: yes. Observed: 1 heterozygote. Not counted in ClinVar's aggregate classification.

Literature cited by the submitters: PubMed 19940839 (cited by Labcorp Genetics (formerly Invitae), Labcorp); PubMed 28375157 (cited by Labcorp Genetics (formerly Invitae), Labcorp and Yale Center for Mendelian Genomics, Yale University).